The following is an entry in ClinVar:

ClinVar aggregate classification (germline): Uncertain significance. Review status: criteria provided, multiple submitters, no conflicts (2 of 4 stars). 5 submissions from 5 submitters: Uncertain significance (5). Last evaluated 2024-02-14.

Conditions:
Fanconi anemia (FA). Also called: Fanconi's anemia. Identifiers: Orphanet 84, MedGen C0015625, MeSH D005199, MONDO:0019391.
Fanconi anemia complementation group P. Also called: SLX4-Related Fanconi Anemia. Identifiers: Orphanet 84, MedGen C3469542, MONDO:0013499, OMIM 613951.

Allele frequency attached by ClinVar (database versions not stated): ExAC 0.00008; gnomAD exomes 0.00008; gnomAD 0.00014; TOPMed 0.00015.
gnomAD v4.1: 369 of 1,612,914 alleles (0.023%); highest among the groups gnomAD compares: East Asian, 0.029%; no homozygotes.

Submissions (6):

Fulgent Genetics
Classification: Uncertain significance for Fanconi anemia complementation group P. Last evaluated: 2024-02-14. Review status: criteria provided, single submitter. Criteria: ACMG Guidelines, 2015. Collection method: clinical testing. Allele origin: germline.

Labcorp Genetics (formerly Invitae), Labcorp
Classification: Uncertain significance for Fanconi anemia. Last evaluated: 2022-10-18. Review status: criteria provided, single submitter. Criteria: Invitae Variant Classification Sherloc (09022015). Collection method: clinical testing. Allele origin: germline.
Comment: This sequence change replaces alanine, which is neutral and non-polar, with valine, which is neutral and non-polar, at codon 1623 of the SLX4 protein (p.Ala1623Val). This variant is present in population databases (rs200178217, gnomAD 0.02%). This variant has not been reported in the literature in individuals affected with SLX4-related conditions. ClinVar contains an entry for this variant (Variation ID: 887099). Algorithms developed to predict the effect of missense changes on protein structure and function output the following: SIFT: "Tolerated"; PolyPhen-2: "Benign"; Align-GVGD: "Class C0". The valine amino acid residue is found in multiple mammalian species, which suggests that this missense change does not adversely affect protein function. In summary, the available evidence is currently insufficient to determine the role of this variant in disease. Therefore, it has been classified as a Variant of Uncertain Significance.

Blueprint Genetics
Classification: Uncertain significance. Last evaluated: 2022-06-21. Review status: criteria provided, single submitter. Criteria: ACMG Guidelines, 2015. Collection method: clinical testing. Allele origin: germline.

Baylor Genetics
Classification: Uncertain significance for Fanconi anemia complementation group P. Last evaluated: 2020-01-07. Review status: criteria provided, single submitter. Criteria: ACMG Guidelines, 2015. Collection method: clinical testing. Allele origin: unknown. Affected: yes. Study: CSER-TexasKidsCanSeq.
Comment: This variant was determined to be of uncertain significance according to ACMG Guidelines, 2015 [PMID:25741868].

Illumina Laboratory Services, Illumina
Classification: Uncertain significance for Fanconi anemia complementation group P. Last evaluated: 2018-01-12. Review status: criteria provided, single submitter. Criteria: ICSL Variant Classification Criteria 13 December 2019. Collection method: clinical testing. Allele origin: germline.

Dr. Peter K. Rogan Lab, Western University
No classification provided (evidence only). Condition: Thyroid cancer, nonmedullary, 1. Review status: no classification provided. Collection method: in vitro. Allele origin: not applicable. Functional consequence: retained intron. Not counted in ClinVar's aggregate classification.

NM_032444.4(SLX4):c.4868C>T (p.Ala1623Val)

Gene: SLX4 (SLX4 structure-specific endonuclease subunit; minus strand). Cytogenetic location: 16p13.3.
Variant type: single nucleotide variant.
Coding change: c.4868C>T on transcript NM_032444.4 (MANE Select); coding-DNA position 4868, C replaced by T.
Protein change: p.Ala1623Val; replaces alanine 1623 with valine.
Molecular consequence: missense variant.
Genome position (GRCh38, 1-based): chr16:3,583,382, G>A on the plus strand (C>T on the coding strand, the complement: SLX4 is on the minus strand). VCF-style: chr16-3583382-G-A. GRCh37 (hg19) VCF-style: chr16-3633383-G-A.
Other names: short protein forms A1623V.
Identifiers: ClinVar variation 887099 (VCV000887099.12), dbSNP rs200178217, ClinGen allele CA7865487.